The following is an entry in ClinVar:

ClinVar aggregate classification (germline): Uncertain significance. Review status: criteria provided, multiple submitters, no conflicts (2 of 4 stars). 3 submissions from 3 submitters: Uncertain significance (3). Last evaluated 2025-10-15.

Conditions:
CEP164-related disorder. Also called: CEP164-related condition.
Nephronophthisis 15 (NPHP15). Identifiers: Orphanet 3156, MedGen C3541853, MONDO:0013917, OMIM 614845.

Allele frequency attached by ClinVar (database versions not stated): TOPMed 0.00001; gnomAD 0.00003; gnomAD exomes 0.00004; ExAC 0.00010.
gnomAD v4.1: 62 of 1,613,836 alleles (0.0038%); highest among the groups gnomAD compares: South Asian, 0.04%; 1 homozygote.

Submissions (3):

PreventionGenetics, part of Exact Sciences
Classification: Uncertain significance for CEP164-related condition. Last evaluated: 2025-10-15. Review status: criteria provided, single submitter. Criteria: ACMG Guidelines, 2015. Collection method: clinical testing. Allele origin: germline.
Comment: The CEP164 c.3745A>G variant is predicted to result in the amino acid substitution p.Arg1249Gly. To our knowledge, this variant has not been reported in the literature. This variant is reported in 0.036% of alleles in individuals of South Asian descent in gnomAD. At this time, the clinical significance of this variant is uncertain due to the absence of conclusive functional and genetic evidence.

Blueprint Genetics
Classification: Uncertain significance. Last evaluated: 2024-11-25. Review status: criteria provided, single submitter. Criteria: ACMG Guidelines, 2015. Collection method: clinical testing. Allele origin: germline.

Labcorp Genetics (formerly Invitae), Labcorp
Classification: Uncertain significance for Nephronophthisis 15. Last evaluated: 2022-08-22. Review status: criteria provided, single submitter. Criteria: Invitae Variant Classification Sherloc (09022015). Collection method: clinical testing. Allele origin: germline.
Comment: This sequence change replaces arginine, which is basic and polar, with glycine, which is neutral and non-polar, at codon 1249 of the CEP164 protein (p.Arg1249Gly). This variant is present in population databases (rs201233959, gnomAD 0.04%). This variant has not been reported in the literature in individuals affected with CEP164-related conditions. Algorithms developed to predict the effect of missense changes on protein structure and function output the following: SIFT: "Deleterious"; PolyPhen-2: "Benign"; Align-GVGD: "Class C0". The glycine amino acid residue is found in multiple mammalian species, which suggests that this missense change does not adversely affect protein function. Algorithms developed to predict the effect of sequence changes on RNA splicing suggest that this variant may disrupt the consensus splice site. In summary, the available evidence is currently insufficient to determine the role of this variant in disease. Therefore, it has been classified as a Variant of Uncertain Significance.

NM_014956.5(CEP164):c.3745A>G (p.Arg1249Gly)

Gene: CEP164 (centrosomal protein 164; plus strand). Cytogenetic location: 11q23.3.
Variant type: single nucleotide variant.
Coding change: c.3745A>G on transcript NM_014956.5 (MANE Select); coding-DNA position 3745, A replaced by G.
Protein change: p.Arg1249Gly; replaces arginine 1249 with glycine.
Molecular consequence: missense variant. On other transcripts: intron variant (1).
Genome position (GRCh38, 1-based): chr11:117,409,025, A>G. VCF-style: chr11-117409025-A-G. GRCh37 (hg19) VCF-style: chr11-117279741-A-G.
Other names: c.3733+21A>G (NM_001271933.2); c.3745A>G (NM_014956.4); short protein forms R1249G.
Identifiers: ClinVar variation 2066614 (VCV002066614.3), dbSNP rs201233959, ClinGen allele CA6295549.